The following is an entry in ClinVar:

ClinVar aggregate classification (germline): Uncertain significance (1 of 4 stars; one submission).

Conditions:
Hereditary spastic paraplegia 11. Also called: Nakamura Osame syndrome; Autosomal recessive hereditary spastic paraplegia, mental impairment, and thin corpus callosum; Spastic Paraplegia 11; SPASTIC PARAPLEGIA, AUTOSOMAL RECESSIVE, COMPLICATED, WITH THIN CORPUS CALLOSUM; SPASTIC PARAPLEGIA, AUTOSOMAL RECESSIVE, WITH MENTAL IMPAIRMENT AND THIN CORPUS CALLOSUM; Spastic paraplegia, mental retardation and thin corpus callosum. Identifiers: Orphanet 2822, MedGen C1858479, MONDO:0011445, OMIM 604360.

Submission:

Labcorp Genetics (formerly Invitae), Labcorp
Classification: Uncertain significance for Hereditary spastic paraplegia 11. Last evaluated: 2021-09-02. Review status: criteria provided, single submitter. Criteria: Invitae Variant Classification Sherloc (09022015). Collection method: clinical testing. Allele origin: germline.
Comment: This sequence change replaces methionine with threonine at codon 1555 of the SPG11 protein (p.Met1555Thr). The methionine residue is moderately conserved and there is a moderate physicochemical difference between methionine and threonine. This variant is not present in population databases (ExAC no frequency). This variant has not been reported in the literature in individuals affected with SPG11-related conditions. Algorithms developed to predict the effect of missense changes on protein structure and function output the following: SIFT: "Deleterious"; PolyPhen-2: "Benign"; Align-GVGD: "Class C15". The threonine amino acid residue is found in multiple mammalian species, which suggests that this missense change does not adversely affect protein function. In summary, the available evidence is currently insufficient to determine the role of this variant in disease. Therefore, it has been classified as a Variant of Uncertain Significance.

NM_025137.4(SPG11):c.4664T>C (p.Met1555Thr)

Gene: SPG11 (SPG11 vesicle trafficking associated, spatacsin; minus strand). Cytogenetic location: 15q21.1.
Variant type: single nucleotide variant.
Coding change: c.4664T>C on transcript NM_025137.4 (MANE Select); coding-DNA position 4664, T replaced by C.
Protein change: p.Met1555Thr; replaces methionine 1555 with threonine.
Molecular consequence: missense variant.
Genome position (GRCh38, 1-based): chr15:44,592,410, A>G on the plus strand (T>C on the coding strand, the complement: SPG11 is on the minus strand). VCF-style: chr15-44592410-A-G. GRCh37 (hg19) VCF-style: chr15-44884608-A-G.
Other names: c.4664T>C, p.Met1555Thr (NM_001160227.2); short protein forms M1555T.
Identifiers: ClinVar variation 1401642 (VCV001401642.5), dbSNP rs2140963348, ClinGen allele CA392225325.